The following is an entry in ClinVar:

NM_001376.5(DYNC1H1):c.10401T>A (p.Ala3467=)

Gene: DYNC1H1 (dynein cytoplasmic 1 heavy chain 1; plus strand). Cytogenetic location: 14q32.31.
Variant type: single nucleotide variant.
Coding change: c.10401T>A on transcript NM_001376.5 (MANE Select); coding-DNA position 10401, T replaced by A.
Protein change: p.Ala3467=; no amino-acid change (alanine 3467 retained).
Molecular consequence: synonymous variant.
Genome position (GRCh38, 1-based): chr14:102,033,472, T>A. VCF-style: chr14-102033472-T-A. GRCh37 (hg19) VCF-style: chr14-102499809-T-A.
Identifiers: ClinVar variation 701230 (VCV000701230.15), dbSNP rs184264124, ClinGen allele CA7353398.

ClinVar aggregate classification (germline): Likely benign. Review status: criteria provided, multiple submitters, no conflicts (2 of 4 stars). 4 submissions from 4 submitters: Likely benign (3). 1 of the submissions does not count toward it. Last evaluated 2026-01-21.

Conditions:
DYNC1H1-related disorder. Also called: DYNC1H1-related disorders; DYNC1H1-related condition. Identifiers: MedGen CN381529.
Charcot-Marie-Tooth disease. Also called: Charcot-Marie-Tooth Hereditary Neuropathy; Charcot-Marie-Tooth Neuropathy. Identifiers: Orphanet 166, MedGen C0007959, MONDO:0015626.
Charcot-Marie-Tooth disease axonal type 2O. Also called: Charcot-Marie-Tooth Neuropathy Type 2O; CHARCOT-MARIE-TOOTH NEUROPATHY, AXONAL, TYPE 2O; CHARCOT-MARIE-TOOTH DISEASE, AXONAL, AUTOSOMAL DOMINANT, TYPE 2O; Charcot-Marie-Tooth disease, axonal, type 20. Identifiers: Orphanet 284232, MedGen C3280220, MONDO:0013644, OMIM 614228.

Allele frequency attached by ClinVar (database versions not stated): gnomAD 0.00003 and 0.00005; TOPMed 0.00004; ExAC 0.00007; gnomAD exomes 0.00008; 1000 Genomes Project 30x 0.00031; 1000 Genomes Project 0.00040.
gnomAD v4.1: 29 of 1,614,128 alleles (0.0018%); highest among the groups gnomAD compares: East Asian, 0.053%; no homozygotes.

Submissions (4):

Labcorp Genetics (formerly Invitae), Labcorp
Classification: Likely benign for Charcot-Marie-Tooth disease axonal type 2O. Last evaluated: 2026-01-21. Review status: criteria provided, single submitter. Criteria: Invitae Variant Classification Sherloc (09022015). Collection method: clinical testing. Allele origin: germline.

Blueprint Genetics
Classification: Likely benign. Last evaluated: 2024-10-02. Review status: criteria provided, single submitter. Criteria: ACMG Guidelines, 2015. Collection method: clinical testing. Allele origin: germline.

Molecular Genetics Laboratory, London Health Sciences Centre
Classification: Likely benign for Charcot-Marie-Tooth disease. Review status: criteria provided, single submitter. Criteria: ACMG Guidelines, 2015. Collection method: clinical testing. Allele origin: germline. Affected: yes.

PreventionGenetics, part of Exact Sciences
Classification: Likely benign for DYNC1H1-related condition. Last evaluated: 2023-03-21. Review status: no assertion criteria provided. Collection method: clinical testing. Allele origin: germline. Not counted in ClinVar's aggregate classification.
Comment: This variant is classified as likely benign based on ACMG/AMP sequence variant interpretation guidelines (Richards et al. 2015 PMID: 25741868, with internal and published modifications).